The following is an entry in ClinVar:

NM_003849.4(SUCLG1):c.302T>G (p.Phe101Cys)

Gene: SUCLG1 (succinate-CoA ligase GDP/ADP-forming subunit alpha; minus strand). Cytogenetic location: 2p11.2.
Variant type: single nucleotide variant.
Coding change: c.302T>G on transcript NM_003849.4 (MANE Select); coding-DNA position 302, T replaced by G.
Protein change: p.Phe101Cys; replaces phenylalanine 101 with cysteine.
Molecular consequence: missense variant.
Genome position (GRCh38, 1-based): chr2:84,443,300, A>C on the plus strand (T>G on the coding strand, the complement: SUCLG1 is on the minus strand). VCF-style: chr2-84443300-A-C. GRCh37 (hg19) VCF-style: chr2-84670424-A-C.
Other names: p.F101C:TTT>TGT; short protein forms F101C.
Identifiers: ClinVar variation 203979 (VCV000203979.7), dbSNP rs773748583, ClinGen allele CA313066.
Genomic context (GRCh38, chr2:84,443,300, plus strand): 5'-CCCTTGCTTTTCTTGTCTTGCCAAACTCAGGTACCACTAATTACCTCCTTCACAGTATTA[A>C]AGACAGGTAAGCCCAGATGTGTCTGGCCTCCTTTCCCTGGAGTGGTTCCTCCAACGAGTT-3'
Protein context (NP_003840.2, residues 91-111): GGQTHLGLPV[Phe101Cys]NTVKEAKEQT

ClinVar aggregate classification (germline): Conflicting classifications of pathogenicity. Review status: criteria provided, conflicting classifications (1 of 4 stars). 2 submissions from 2 submitters: Likely pathogenic (1); Uncertain significance (1). Last evaluated 2025-10-02.

Conditions:
Mitochondrial DNA depletion syndrome 9 (MTDPS9). Also called: SUCLG1-Related Mitochondrial DNA Depletion Syndrome, Encephalomyopathic Form with Methylmalonic Aciduria. Identifiers: Orphanet 17, MedGen C3151476, MONDO:0009504, OMIM 245400.

Allele frequency attached by ClinVar (database versions not stated): ExAC 0.00001; gnomAD exomes 0.00001; TOPMed 0.00001; gnomAD 0.00002.
gnomAD v4.1: 16 of 1,614,018 alleles (0.00099%); highest among the groups gnomAD compares: Non-Finnish European, 0.0013%; no homozygotes.

Submissions (2):

Labcorp Genetics (formerly Invitae), Labcorp
Classification: Uncertain significance for Mitochondrial DNA depletion syndrome 9. Last evaluated: 2025-10-02. Review status: criteria provided, single submitter. Criteria: Invitae Variant Classification Sherloc (09022015). Collection method: clinical testing. Allele origin: germline.
Comment: This sequence change replaces phenylalanine, which is neutral and non-polar, with cysteine, which is neutral and slightly polar, at codon 101 of the SUCLG1 protein (p.Phe101Cys). The frequency data for this variant in the population databases is considered unreliable, as metrics indicate poor data quality at this position in the gnomAD database. This variant has not been reported in the literature in individuals affected with SUCLG1-related conditions. ClinVar contains an entry for this variant (Variation ID: 203979). Invitae Evidence Modeling of protein sequence and biophysical properties (such as structural, functional, and spatial information, amino acid conservation, physicochemical variation, residue mobility, and thermodynamic stability) has been performed for this missense variant. However, the output from this modeling did not meet the statistical confidence thresholds required to predict the impact of this variant on SUCLG1 protein function. In summary, the available evidence is currently insufficient to determine the role of this variant in disease. Therefore, it has been classified as a Variant of Uncertain Significance.

GeneDx
Classification: Likely pathogenic. Last evaluated: 2014-10-07. Review status: criteria provided, single submitter. Criteria: GeneDx Variant Classification (06012015). Collection method: clinical testing. Allele origin: germline. Affected: yes.
Comment: p.Phe101Cys (TTT>TGT): c.302 T>G in exon 3 of the SUCLG1 gene (NM_003849.3) A F101C variant that is likely pathogenic was identified in the SUCLG1 gene. It has not been published as a mutation, nor has it been reported as a benign polymorphism to our knowledge. The F101C variant is a non-conservative amino acid substitution, which is likely to impact secondary protein structure as these residues differ in polarity, charge, size and/or other properties. This substitution occurs at a position that is conserved across species and in silico analysis predicts this variant is probably damaging to the protein structure/function. Therefore, this variant is a strong candidate for a pathogenic mutation, however the possibility that it is a benign variant cannot be excluded. The variant is found in MITONUC-MITOP panel(s).